The following is an entry in ClinVar:

NM_001111.5(ADAR):c.2130CAA[1] (p.Asn711del)

Gene: ADAR (adenosine deaminase RNA specific; minus strand). Cytogenetic location: 1q21.3.
Variant type: Microsatellite.
Coding change: c.2130CAA[1] on transcript NM_001111.5 (MANE Select); one copy of the 3-base unit CAA starting at c.2130; the reference has two copies in a row; one copy, 3 bases deleted.
Protein change: p.Asn711del; deletes asparagine 711.
Molecular consequence: inframe deletion. On other transcripts: splice acceptor variant (1).
Genome position (GRCh38, 1-based): chr1:154,596,940-154,596,942, TTG deleted on the plus strand (CAA on the coding strand, the reverse complement: ADAR is on the minus strand); deleting any 3 consecutive bases within chr1:154,596,940-154,596,945 gives the same sequence; the position shown is the placement nearest the transcript's 3' end. VCF-style (leftmost placement, unchanged base first): chr1-154596939-CTTG-C. GRCh37 (hg19) VCF-style: chr1-154569415-CTTG-C.
Other names: c.1245CAA[1], p.Asn416del (NM_001025107.3, NM_001193495.2, NM_001365046.1 and 3 more transcripts); c.2157CAA[1], p.Asn720del (NM_001365045.1); c.2130CAA[1], p.Asn711del (NM_015840.4); c.2080-4_2080-2del (NM_015841.4); short protein forms N711del, N416del, N720del.
Identifiers: ClinVar variation 2945972 (VCV002945972.3), dbSNP rs2526590168, ClinGen allele CA2740090377.

ClinVar aggregate classification (germline): Uncertain significance (1 of 4 stars; one submission).

Conditions:
Symmetrical dyschromatosis of extremities (DSH). Also called: DYSCHROMATOSIS SYMMETRICA HEREDITARIA 1; RETICULATE ACROPIGMENTATION OF DOHI; SYMMETRIC DYSCHROMATOSIS OF THE EXTREMITIES; Dyschromatosis symmetrica hereditaria. Identifiers: Orphanet 41, MedGen C0406775, MONDO:0007483, OMIM 127400.
Aicardi-Goutieres syndrome 6 (AGS6). Identifiers: Orphanet 51, MedGen C3539013, MONDO:0014007, OMIM 615010.

Submission:

Labcorp Genetics (formerly Invitae), Labcorp
Classification: Uncertain significance for Aicardi-Goutieres syndrome 6; Symmetrical dyschromatosis of extremities. Last evaluated: 2023-03-30. Review status: criteria provided, single submitter. Criteria: Invitae Variant Classification Sherloc (09022015). Collection method: clinical testing. Allele origin: germline.
Comment: In summary, the available evidence is currently insufficient to determine the role of this variant in disease. Therefore, it has been classified as a Variant of Uncertain Significance. Experimental studies and prediction algorithms are not available or were not evaluated, and the functional significance of this variant is currently unknown. This variant has not been reported in the literature in individuals affected with ADAR-related conditions. This variant is not present in population databases (gnomAD no frequency). This variant, c.2133_2135del, results in the deletion of 1 amino acid(s) of the ADAR protein (p.Asn711del), but otherwise preserves the integrity of the reading frame.